The following is an entry in ClinVar:

ClinVar aggregate classification (germline): Conflicting classifications of pathogenicity. Review status: criteria provided, conflicting classifications (1 of 4 stars). 3 submissions from 3 submitters: Uncertain significance (2); Likely benign (1). Last evaluated 2025-04-23.

Conditions:
Inborn genetic diseases. Identifiers: MedGen C0950123, MeSH D030342.

Allele frequency attached by ClinVar (database versions not stated): gnomAD exomes 0.00006 and 0.00008; ExAC 0.00008; TOPMed 0.00008; gnomAD 0.00009; ESP Exome Variant Server 0.00023.
gnomAD v4.1: 103 of 1,614,206 alleles (0.0064%); highest among the groups gnomAD compares: Middle Eastern, 0.082%; no homozygotes.

Submissions (3):

GeneDx
Classification: Uncertain significance. Last evaluated: 2025-04-23. Review status: criteria provided, single submitter. Criteria: GeneDx Variant Classification Process June 2021. Collection method: clinical testing. Allele origin: germline. Affected: yes.
Comment: In silico analysis indicates that this missense variant does not alter protein structure/function; Has not been previously published as pathogenic or benign to our knowledge

Mayo Clinic Laboratories, Mayo Clinic
Classification: Uncertain significance. Last evaluated: 2023-10-19. Review status: criteria provided, single submitter. Criteria: ACMG Guidelines, 2015. Collection method: clinical testing. Allele origin: germline. Observed: 1 variant allele.
Comment: BP4, PM1, PM2_moderate

Ambry Genetics
Classification: Likely benign for Inborn genetic diseases. Last evaluated: 2022-10-26. Review status: criteria provided, single submitter. Criteria: Ambry Variant Classification Scheme 2023. Collection method: clinical testing. Allele origin: germline.

NM_000128.4(F11):c.196C>T (p.Pro66Ser)

Gene: F11 (coagulation factor XI; plus strand). Cytogenetic location: 4q35.2.
Variant type: single nucleotide variant.
Coding change: c.196C>T on transcript NM_000128.4 (MANE Select); coding-DNA position 196, C replaced by T.
Protein change: p.Pro66Ser; replaces proline 66 with serine.
Molecular consequence: missense variant.
Genome position (GRCh38, 1-based): chr4:186,271,749, C>T. VCF-style: chr4-186271749-C-T. GRCh37 (hg19) VCF-style: chr4-187192903-C-T.
Other names: p.Pro66Ser; c.196C>T, p.Pro66Ser (NM_001354804.2); c.196C>T (NM_000128.3); short protein forms P66S.
Identifiers: ClinVar variation 3091389 (VCV003091389.3), dbSNP rs144595035, ClinGen allele CA3163574.